The following is an entry in ClinVar:

ClinVar aggregate classification (germline): Uncertain significance (1 of 4 stars; one submission).

Conditions:
RASopathy. Also called: Noonan spectrum disorder; rasopathies. Identifiers: Orphanet 536391, MedGen C5555857, MONDO:0021060.

Submission:

Labcorp Genetics (formerly Invitae), Labcorp
Classification: Uncertain significance for RASopathy. Last evaluated: 2021-06-01. Review status: criteria provided, single submitter. Criteria: Invitae Variant Classification Sherloc (09022015). Collection method: clinical testing. Allele origin: germline.
Comment: In summary, the available evidence is currently insufficient to determine the role of this variant in disease. Therefore, it has been classified as a Variant of Uncertain Significance. Advanced modeling of protein sequence and biophysical properties (such as structural, functional, and spatial information, amino acid conservation, physicochemical variation, residue mobility, and thermodynamic stability) performed at Invitae indicates that this missense variant is expected to disrupt SOS1 protein function. This variant has not been reported in the literature in individuals with SOS1-related conditions. This variant is not present in population databases (ExAC no frequency). This sequence change replaces methionine with threonine at codon 175 of the SOS1 protein (p.Met175Thr). The methionine residue is moderately conserved and there is a moderate physicochemical difference between methionine and threonine.

NM_005633.4(SOS1):c.524T>C (p.Met175Thr)

Gene: SOS1 (SOS Ras/Rac guanine nucleotide exchange factor 1; minus strand). Cytogenetic location: 2p22.1.
Variant type: single nucleotide variant.
Coding change: c.524T>C on transcript NM_005633.4 (MANE Select); coding-DNA position 524, T replaced by C.
Protein change: p.Met175Thr; replaces methionine 175 with threonine.
Molecular consequence: missense variant.
Genome position (GRCh38, 1-based): chr2:39,054,810, A>G on the plus strand (T>C on the coding strand, the complement: SOS1 is on the minus strand). VCF-style: chr2-39054810-A-G. GRCh37 (hg19) VCF-style: chr2-39281951-A-G.
Other names: c.503T>C, p.Met168Thr (NM_001382394.1); c.524T>C, p.Met175Thr (NM_001382395.1); short protein forms M175T, M168T.
Identifiers: ClinVar variation 1495211 (VCV001495211.8), dbSNP rs2124603907, ClinGen allele CA346373339.